The following is an entry in ClinVar:

ClinVar aggregate classification (germline): Likely benign. Review status: reviewed by expert panel (3 of 4 stars). 9 submissions from 9 submitters: Likely benign (1). 8 of the submissions do not count toward it. Last evaluated 2024-12-03.

Conditions:
Hereditary cancer-predisposing syndrome. Also called: Neoplastic Syndromes, Hereditary; Tumor predisposition; Hereditary neoplastic syndrome; Hereditary Cancer Syndrome. Identifiers: Orphanet 140162, MedGen C0027672, MeSH D009386, MONDO:0015356.
Cardiovascular phenotype. Identifiers: MedGen CN230736.
Noonan syndrome 10 (NS10). Identifiers: Orphanet 648, MedGen C4225280, MONDO:0014693, OMIM 616564.
LZTR1-related schwannomatosis. Also called: Schwannomatosis 2; Schwannomatosis-2, susceptibility to. Identifiers: Orphanet 93921, MedGen C3810283, MONDO:0014299, OMIM 615670.
LZTR1-related disorder. Also called: LZTR1-related disorders; LZTR1-related condition.
RASopathy. Also called: rasopathies; Noonan spectrum disorder. Identifiers: Orphanet 536391, MedGen C5555857, MONDO:0021060.

Allele frequency attached by ClinVar (database versions not stated): TOPMed 0.00013; ESP Exome Variant Server 0.00015.
gnomAD v4.1: 171 of 1,612,714 alleles (0.011%); highest among the groups gnomAD compares: East Asian, 0.045%; no homozygotes.

Submissions (9):

ClinGen RASopathy Variant Curation Expert Panel
Classification: Likely benign for RASopathy. Last evaluated: 2024-12-03. Review status: reviewed by expert panel. Criteria: ClinGen RASopathy ACMG Specifications LZTR1 V1.3.0. Collection method: curation. Allele origin: germline. Inheritance: Autosomal dominant inheritance.
Comment: The NM_006767.4:c.1700G>A variant in LZTR1 is a missense variant predicted to cause substitution of arginine by histidine at amino acid 567 (p.Arg567His). The filtering allele frequency (the lower threshold of the 95% CI of 9/19946) of the c.1700G>A variant in LZTR1 is 0.0002546 for East Asian chromosomes by gnomAD v2.1.1, which is higher than the ClinGen RASopathy VCEP threshold (≥0.00025) for BS1, and therefore meets this criterion (BS1). The computational predictor REVEL gives a score of 0.157, which is below the threshold of 0.3, evidence that does not predict a damaging effect on LZTR1 function (BP4). In summary, this variant meets the criteria to be classified as likely benign for RASopathy based on the ACMG/AMP criteria applied, as specified by the ClinGen RASopathy VCEP: BS1, BP4. (ClinGen RASopathy VCEP specifications version 1.3; 12/3/2024)

PreventionGenetics, part of Exact Sciences
Classification: Uncertain significance for LZTR1-related condition. Last evaluated: 2026-07-15. Review status: criteria provided, single submitter. Criteria: ACMG Guidelines, 2015. Collection method: clinical testing. Allele origin: germline. Not counted in ClinVar's aggregate classification.
Comment: The LZTR1 c.1700G>A variant is predicted to result in the amino acid substitution p.Arg567His. To our knowledge, this variant has not been reported in the literature in individuals with LZTR1-associated disorders. This variant is reported in 0.045% of alleles in individuals of East Asian descent in gnomAD and has conflicting interpretations regarding its pathogenicity in ClinVar, ranging from likely benign to uncertain (Variation ID: 968299). Although we suspect this alteration is more likely to be benign, at this time, the clinical significance of this variant is uncertain due to the absence of conclusive functional and genetic evidence.

Labcorp Genetics (formerly Invitae), Labcorp
Classification: Uncertain significance. Last evaluated: 2026-01-26. Review status: criteria provided, single submitter. Criteria: Invitae Variant Classification Sherloc (09022015). Collection method: clinical testing. Allele origin: germline. Not counted in ClinVar's aggregate classification.
Comment: This sequence change replaces arginine, which is basic and polar, with histidine, which is basic and polar, at codon 567 of the LZTR1 protein (p.Arg567His). This variant is present in population databases (rs372417941, gnomAD 0.05%). This variant has not been reported in the literature in individuals affected with LZTR1-related conditions. ClinVar contains an entry for this variant (Variation ID: 968299). Invitae Evidence Modeling of protein sequence and biophysical properties (such as structural, functional, and spatial information, amino acid conservation, physicochemical variation, residue mobility, and thermodynamic stability) indicates that this missense variant is not expected to disrupt LZTR1 protein function with a negative predictive value of 80%. In summary, the available evidence is currently insufficient to determine the role of this variant in disease. Therefore, it has been classified as a Variant of Uncertain Significance.

Women's Health and Genetics/Laboratory Corporation of America, LabCorp
Classification: Uncertain significance. Last evaluated: 2025-03-13. Review status: criteria provided, single submitter. Criteria: LabCorp Variant Classification Summary - May 2015. Collection method: clinical testing. Allele origin: germline. Not counted in ClinVar's aggregate classification.
Comment: Variant summary: LZTR1 c.1700G>A (p.Arg567His) results in a non-conservative amino acid change located in the BTB/POZ domain (IPR000210) of the encoded protein sequence. Four of five in-silico tools predict a damaging effect of the variant on protein function. The variant allele was found at a frequency of 9.9e-05 in 251506 control chromosomes. This frequency is not significantly higher than estimated for a pathogenic variant in LZTR1 causing Noonan Syndrome 2 (9.9e-05 vs 0.0032), allowing no conclusion about variant significance. c.1700G>A has been reported in the literature in one individual affected with D-Bifunctional protein deficiency as well as in one control (Kanchi_2014, Matsukawa_2016). These report(s) do not provide unequivocal conclusions about association of the variant with Noonan Syndrome 2. To our knowledge, no experimental evidence demonstrating an impact on protein function has been reported. The following publications have been ascertained in the context of this evaluation (PMID: 24448499, 28017249). ClinVar contains an entry for this variant (Variation ID: 968299). Based on the evidence outlined above, the variant was classified as uncertain significance.

Blueprint Genetics
Classification: Likely benign. Last evaluated: 2024-11-08. Review status: criteria provided, single submitter. Criteria: ACMG Guidelines, 2015. Collection method: clinical testing. Allele origin: germline. Not counted in ClinVar's aggregate classification.

Ambry Genetics
Classification: Likely benign for Cardiovascular phenotype; Hereditary cancer-predisposing syndrome. Last evaluated: 2024-08-10. Review status: criteria provided, single submitter. Criteria: Ambry Variant Classification Scheme 2023. Collection method: clinical testing. Allele origin: germline. Not counted in ClinVar's aggregate classification.

GeneDx
Classification: Uncertain significance. Last evaluated: 2024-08-06. Review status: criteria provided, single submitter. Criteria: GeneDx Variant Classification Process June 2021. Collection method: clinical testing. Allele origin: germline. Affected: yes. Not counted in ClinVar's aggregate classification.
Comment: In silico analysis indicates that this missense variant does not alter protein structure/function; Not observed in any cases, but was observed in unaffected controls from an ovarian cancer case-control study (PMID: 24448499); This variant is associated with the following publications: (PMID: 28017249, 24448499)

St. Jude Molecular Pathology, St. Jude Children's Research Hospital
Classification: Uncertain significance for LZTR1-related schwannomatosis. Last evaluated: 2022-07-26. Review status: criteria provided, single submitter. Criteria: St. Jude Assertion Criteria 2020. Collection method: clinical testing. Allele origin: germline. Not counted in ClinVar's aggregate classification.
Comment: The LZTR1 c.1700G>A (p.Arg567His) missense change has a maximum subpopulation frequency of 0.045% in gnomAD v2.1.1. The in silico tool REVEL predicts a benign effect on protein function, but to our knowledge this prediction has not been confirmed by functional studies. To our knowledge, this variant has not been reported in individuals with Noonan syndrome or Schwannomatosis. In summary, the evidence currently available is insufficient to determine the clinical significance of this variant. It has therefore been classified as of uncertain significance.

Genetics and Molecular Pathology, SA Pathology
Classification: Uncertain significance for Noonan syndrome 10. Last evaluated: 2020-03-02. Review status: criteria provided, single submitter. Criteria: ACMG Guidelines, 2015. Collection method: clinical testing. Allele origin: germline. Affected: yes. Not counted in ClinVar's aggregate classification.

Literature cited by the submitters: PubMed 24448499 (cited by Women's Health and Genetics/Laboratory Corporation of America, LabCorp); PubMed 28017249 (cited by Women's Health and Genetics/Laboratory Corporation of America, LabCorp).

NM_006767.4(LZTR1):c.1700G>A (p.Arg567His)

Gene: LZTR1 (leucine zipper like post translational regulator 1; plus strand). Cytogenetic location: 22q11.21.
Variant type: single nucleotide variant.
Coding change: c.1700G>A on transcript NM_006767.4 (MANE Select); coding-DNA position 1700, G replaced by A.
Protein change: p.Arg567His; replaces arginine 567 with histidine.
Molecular consequence: missense variant.
Genome position (GRCh38, 1-based): chr22:20,994,642, G>A. VCF-style: chr22-20994642-G-A. GRCh37 (hg19) VCF-style: chr22-21348931-G-A.
Other names: NM_006767.4(LZTR1):c.1700G>A; p.Arg567His; short protein forms R567H.
Identifiers: ClinVar variation 968299 (VCV000968299.25), dbSNP rs372417941, ClinGen allele CA10119025.